The following is an entry in ClinVar:

NM_198578.4(LRRK2):c.7109G>T (p.Ser2370Ile)

Gene: LRRK2 (leucine rich repeat kinase 2; plus strand). Cytogenetic location: 12q12.
Variant type: single nucleotide variant.
Coding change: c.7109G>T on transcript NM_198578.4 (MANE Select); coding-DNA position 7109, G replaced by T.
Protein change: p.Ser2370Ile; replaces serine 2370 with isoleucine.
Molecular consequence: missense variant.
Genome position (GRCh38, 1-based): chr12:40,363,482, G>T. VCF-style: chr12-40363482-G-T. GRCh37 (hg19) VCF-style: chr12-40757284-G-T.
Other names: short protein forms S2370I.
Identifiers: ClinVar variation 3229772 (VCV003229772.1), dbSNP rs980441788, ClinGen allele CA384413382.

ClinVar aggregate classification (germline): Uncertain significance (1 of 4 stars; one submission).

Conditions:
Inborn genetic diseases. Identifiers: MedGen C0950123, MeSH D030342.

Allele frequency attached by ClinVar (database versions not stated): TOPMed below 0.00001.

Submission:

Ambry Genetics
Classification: Uncertain significance for Inborn genetic diseases. Last evaluated: 2023-12-26. Review status: criteria provided, single submitter. Criteria: Ambry Variant Classification Scheme 2023. Collection method: clinical testing. Allele origin: germline.
Comment: The p.S2370I variant (also known as c.7109G>T), located in coding exon 48 of the LRRK2 gene, results from a G to T substitution at nucleotide position 7109. The serine at codon 2370 is replaced by isoleucine, an amino acid with dissimilar properties. This amino acid position is conserved. In addition, the in silico prediction for this alteration is inconclusive. Since supporting evidence is limited at this time, the clinical significance of this alteration remains unclear.